The following is an entry in ClinVar:

ClinVar aggregate classification (germline): Uncertain significance. Review status: criteria provided, multiple submitters, no conflicts (2 of 4 stars). 2 submissions from 2 submitters: Uncertain significance (2). Last evaluated 2026-02-19.

Conditions:
WNK1-related disorder. Also called: WNK1-related condition.
Neuropathy, hereditary sensory and autonomic, type 2A (HSAN2A). Also called: HSAN IIA; ACROOSTEOLYSIS, GIACCAI TYPE; ACROOSTEOLYSIS, NEUROGENIC; MORVAN DISEASE; NEUROPATHY, CONGENITAL SENSORY; NEUROPATHY, HEREDITARY SENSORY RADICULAR, AUTOSOMAL RECESSIVE. Identifiers: Orphanet 970, MedGen C2752089, MONDO:0024309, OMIM 201300.
Pseudohypoaldosteronism type 2C (PHA2C). Also called: Pseudohypoaldosteronism Type IIC. Identifiers: Orphanet 757, Orphanet 88940, MedGen C1840391, MONDO:0013778, OMIM 614492.

Allele frequency attached by ClinVar (database versions not stated): TOPMed below 0.00001; gnomAD 0.00001.
gnomAD v4.1: 18 of 1,612,362 alleles (0.0011%); highest among the groups gnomAD compares: Non-Finnish European, 0.0014%; no homozygotes.

Submissions (2):

PreventionGenetics, part of Exact Sciences
Classification: Uncertain significance for WNK1-related condition. Last evaluated: 2026-02-19. Review status: criteria provided, single submitter. Criteria: ACMG Guidelines, 2015. Collection method: clinical testing. Allele origin: germline.
Comment: The WNK1 c.214A>G variant is predicted to result in the amino acid substitution p.Thr72Ala. To our knowledge, this variant has not been reported in the literature or in a large population database (gnomAD), indicating this variant is rare. At this time, the clinical significance of this variant is uncertain due to the absence of conclusive functional and genetic evidence.

Labcorp Genetics (formerly Invitae), Labcorp
Classification: Uncertain significance for Neuropathy, hereditary sensory and autonomic, type 2A; Pseudohypoaldosteronism type 2C. Last evaluated: 2022-07-18. Review status: criteria provided, single submitter. Criteria: Invitae Variant Classification Sherloc (09022015). Collection method: clinical testing. Allele origin: germline.
Comment: Advanced modeling of protein sequence and biophysical properties (such as structural, functional, and spatial information, amino acid conservation, physicochemical variation, residue mobility, and thermodynamic stability) performed at Invitae indicates that this missense variant is not expected to disrupt WNK1 protein function. In summary, the available evidence is currently insufficient to determine the role of this variant in disease. Therefore, it has been classified as a Variant of Uncertain Significance. ClinVar contains an entry for this variant (Variation ID: 471172). This sequence change replaces threonine, which is neutral and polar, with alanine, which is neutral and non-polar, at codon 72 of the WNK1 protein (p.Thr72Ala). This variant is not present in population databases (gnomAD no frequency). This variant has not been reported in the literature in individuals affected with WNK1-related conditions.

NM_018979.4(WNK1):c.214A>G (p.Thr72Ala)

Gene: WNK1 (WNK lysine deficient protein kinase 1; plus strand). Cytogenetic location: 12p13.33.
Variant type: single nucleotide variant.
Coding change: c.214A>G on transcript NM_018979.4 (MANE Select); coding-DNA position 214, A replaced by G.
Protein change: p.Thr72Ala; replaces threonine 72 with alanine.
Molecular consequence: missense variant.
Genome position (GRCh38, 1-based): chr12:753,779, A>G. VCF-style: chr12-753779-A-G. GRCh37 (hg19) VCF-style: chr12-862945-A-G.
Other names: c.214A>G, p.Thr72Ala (NM_001184985.2, NM_014823.3, NM_213655.5); short protein forms T72A.
Identifiers: ClinVar variation 471172 (VCV000471172.9), dbSNP rs1483871160, ClinGen allele CA383304281.